The following is an entry in ClinVar:

ClinVar aggregate classification (germline): Likely benign. Review status: criteria provided, multiple submitters, no conflicts (2 of 4 stars). 3 submissions from 3 submitters: Likely benign (3). Last evaluated 2026-03-01.

Allele frequency attached by ClinVar (database versions not stated): ExAC 0.00001; gnomAD 0.00001; gnomAD exomes 0.00002.
gnomAD v4.1: 32 of 1,613,974 alleles (0.002%); highest among the groups gnomAD compares: Admixed American, 0.012%; no homozygotes.

Submissions (3):

CeGaT Center for Human Genetics Tuebingen
Classification: Likely benign. Last evaluated: 2026-03-01. Review status: criteria provided, single submitter. Criteria: CeGaT Center For Human Genetics Tuebingen Variant Classification Criteria Version 2. Collection method: clinical testing. Allele origin: germline. Affected: yes. Observed: 1 variant allele.
Comment: RTTN: BP4, BP7

Labcorp Genetics (formerly Invitae), Labcorp
Classification: Likely benign. Last evaluated: 2025-08-20. Review status: criteria provided, single submitter. Criteria: Invitae Variant Classification Sherloc (09022015). Collection method: clinical testing. Allele origin: germline.

Blueprint Genetics
Classification: Likely benign. Last evaluated: 2024-02-16. Review status: criteria provided, single submitter. Criteria: ACMG Guidelines, 2015. Collection method: clinical testing. Allele origin: germline.

NM_173630.4(RTTN):c.6C>T (p.Val2=)

Gene: RTTN (rotatin; minus strand). Cytogenetic location: 18q22.2.
Variant type: single nucleotide variant.
Coding change: c.6C>T on transcript NM_173630.4 (MANE Select); coding-DNA position 6, C replaced by T.
Protein change: p.Val2=; no amino-acid change (valine 2 retained).
Molecular consequence: synonymous variant. On other transcripts: 5 prime UTR variant (1).
Genome position (GRCh38, 1-based): chr18:70,205,653, G>A on the plus strand (C>T on the coding strand, the complement: RTTN is on the minus strand). VCF-style: chr18-70205653-G-A. GRCh37 (hg19) VCF-style: chr18-67872889-G-A.
Other names: c.-2548C>T (NM_001318520.2).
Identifiers: ClinVar variation 1981182 (VCV001981182.9), dbSNP rs778293454, ClinGen allele CA8996638.